The following is an entry in ClinVar:

NM_001348716.2(KDM6B):c.4016+10G>A

Genes: KDM6B (lysine demethylase 6B; plus strand), LOC121587574 (Sharpr-MPRA regulatory region 3930; plus strand). Cytogenetic location: 17p13.1.
Variant type: single nucleotide variant.
Coding change: c.4016+10G>A on transcript NM_001348716.2 (MANE Select); 10 bases into the intron after coding-DNA position 4016, G replaced by A.
Molecular consequence: intron variant.
Genome position (GRCh38, 1-based): chr17:7,851,559, G>A. VCF-style: chr17-7851559-G-A. GRCh37 (hg19) VCF-style: chr17-7754877-G-A.
Other names: c.4016+10G>A (NM_001080424.2).
Identifiers: ClinVar variation 4885996 (VCV004885996.2).
Genomic context (GRCh38, chr17:7,851,559, plus strand): 5'-CCATCACATCATCAAGTTTGGCACCAACATCGACTTGTCTGATGCTAAGCGGTCAGTGGG[G>A]CTGAGGCCAGGGAAGTTGGGGCAGGAGTGCTGCTAGGACCTCGTGGCGGGGGCGGGGTGT-3'

ClinVar aggregate classification (germline): Uncertain significance (1 of 4 stars; one submission).

Submission:

Dasa
Classification: Uncertain significance. Last evaluated: 2024-10-21. Review status: criteria provided, single submitter. Criteria: DASA Assertion Criteria. Collection method: clinical testing. Allele origin: germline.
Comment: NM_001348716.2(KDM6B):c.4016+10G>A is a splice-region variant. This variant is absent from population databases. Computational prediction algorithms are consistent with a benign effect. The currently available literature and clinical evidence are not sufficient to establish a definitive association between this variant and the reported condition. Therefore, this variant is classified as a variant of uncertain significance.